The following is an entry in ClinVar:

ClinVar aggregate classification (germline): Likely pathogenic (1 of 4 stars; one submission).

Conditions:
Hypophosphataemia or rickets.

Submission:

Cambridge Genomics Laboratory, East Genomic Laboratory Hub, NHS Genomic Medicine Service
Classification: Likely pathogenic for Hypophosphataemia or rickets. Last evaluated: 2025-01-30. Review status: criteria provided, single submitter. Criteria: ACGS Best Practice Guidelines for Variant Classification in Rare Disease 2020. Collection method: clinical testing. Allele origin: germline. Affected: yes.
Comment: PS1_Moderate,PM2,PP3,PP4

NM_000444.6(PHEX):c.1899+5G>C

Genes: PHEX (phosphate regulating endopeptidase X-linked; plus strand), PTCHD1-AS (PTCHD1 and PHEX antisense RNA; minus strand). Cytogenetic location: Xp22.11.
Variant type: single nucleotide variant.
Coding change: c.1899+5G>C on transcript NM_000444.6 (MANE Select); 5 bases into the intron after coding-DNA position 1899, G replaced by C.
Molecular consequence: intron variant.
Genome position (GRCh38, 1-based): chrX:22,221,748, G>C. VCF-style: chrX-22221748-G-C. GRCh37 (hg19) VCF-style: chrX-22239865-G-C.
Other names: c.1899+5G>C (NM_001282754.2).
Identifiers: ClinVar variation 4682141 (VCV004682141.1).
Genomic context (GRCh38, chrX:22,221,748, plus strand): 5'-CAAAATGCATGATTAACCAGTATAGCAACTATTATTGGAAGAAAGCTGGCTTAAATGTGA[G>C]TACAACTGTGGCTAAGGGGGGCACCTTGTGGTTCATTTTTCCTCATTTGGACATTAGCTT-3'